The following is an entry in ClinVar:

NM_032638.5(GATA2):c.599dup (p.Gly200_Ser201insTer)

Gene: GATA2 (GATA binding protein 2; minus strand). Cytogenetic location: 3q21.3.
Variant type: Duplication.
Coding change: c.599dup on transcript NM_032638.5 (MANE Select); coding-DNA position 599, one base duplicated (G; older notation c.599dupG).
Protein change: p.Gly200_Ser201insTer.
Molecular consequence: frameshift variant.
Genome position (GRCh38, 1-based): chr3:128,485,999, C duplicated on the plus strand (G on the coding strand, the reverse complement: GATA2 is on the minus strand); the first of 6 consecutive C bases (chr3:128,485,999-128,486,004); duplicating any one gives the same sequence. VCF-style (leftmost placement, unchanged base first): chr3-128485998-A-AC. GRCh37 (hg19) VCF-style: chr3-128204841-A-AC.
Other names: c.599dupG (NM_001145661.1); c.599dup (NM_032638.4); c.599dup, p.Gly200_Ser201insTer (NM_001145661.2, NM_001145662.1).
Identifiers: ClinVar variation 29715 (VCV000029715.16), dbSNP rs768767517, ClinGen allele CA358452.

ClinVar aggregate classification (germline): Pathogenic. Review status: criteria provided, multiple submitters, no conflicts (2 of 4 stars). 5 submissions from 5 submitters: Pathogenic (4). 1 of the submissions does not count toward it. Last evaluated 2025-10-13.

Conditions:
GATA2 deficiency with susceptibility to MDS/AML. Identifiers: MedGen CN300066, MONDO:0042982.
Deafness-lymphedema-leukemia syndrome. Also called: Lymphedema, primary, with myelodysplasia; Emberger syndrome. Identifiers: Orphanet 3226, MedGen C3279664, MONDO:0013540, OMIM 614038.
Monocytopenia with susceptibility to infections. Also called: MONOCYTOPENIA AND MYCOBACTERIAL INFECTION SYNDROME; MONOCYTOPENIA WITH SUSCEPTIBILITY TO MYCOBACTERIAL, FUNGAL, AND PAPILLOMAVIRUS INFECTIONS AND MYELODYSPLASIA; COMBINED IMMUNODEFICIENCY WITH SUSCEPTIBILITY TO MYCOBACTERIAL, VIRAL, AND FUNGAL INFECTIONS; GATA2 DEFICIENCY; Dendritic cell, monocyte, B lymphocyte, and natural killer lymphocyte deficiency; IMMUNODEFICIENCY 21. Identifiers: Orphanet 228423, MedGen C3280030, MONDO:0013607, OMIM 614172.

Submissions (5):

Labcorp Genetics (formerly Invitae), Labcorp
Classification: Pathogenic for Monocytopenia with susceptibility to infections; Deafness-lymphedema-leukemia syndrome. Last evaluated: 2025-10-13. Review status: criteria provided, single submitter. Criteria: Invitae Variant Classification Sherloc (09022015). Collection method: clinical testing. Allele origin: germline.
Comment: This sequence change creates a premature translational stop signal (p.Ser201*) in the GATA2 gene. It is expected to result in an absent or disrupted protein product. Loss-of-function variants in GATA2 are known to be pathogenic (PMID: 21670465, 23223431). This variant is not present in population databases (gnomAD no frequency). This premature translational stop signal has been observed in individual(s) with GATA2 deficiency (PMID: 21765025, 26702063). This variant is also known as c.599_600insG. ClinVar contains an entry for this variant (Variation ID: 29715). For these reasons, this variant has been classified as Pathogenic.

Molecular Pathology Research Laboratory, SA Pathology
Classification: Pathogenic for GATA2 deficiency with susceptibility to MDS/AML; Deafness-lymphedema-leukemia syndrome. Last evaluated: 2021-07-06. Review status: criteria provided, single submitter. Criteria: ACMG Guidelines, 2015. Collection method: curation. Allele origin: germline. Inheritance: Autosomal dominant inheritance. Affected: yes. Observed: 11 variant alleles. Clinical features observed: Myelodysplasia, Acute Myeloid Leukemia, Immunodeficiency, Hematological abnormality, Lymphedema.
Comment: PVS1, PS4, PM2

Genetic Services Laboratory, University of Chicago
Classification: Pathogenic. Last evaluated: 2021-02-23. Review status: criteria provided, single submitter. Criteria: ACMG Guidelines, 2015. Collection method: clinical testing. Allele origin: germline. Affected: yes.

PreventionGenetics, part of Exact Sciences
Classification: Pathogenic. Last evaluated: 2017-05-23. Review status: criteria provided, single submitter. Criteria: ACMG Guidelines, 2015. Collection method: clinical testing. Allele origin: germline.

OMIM
Classification: Pathogenic for IMMUNODEFICIENCY 21. Last evaluated: 2011-09-08. Review status: no assertion criteria provided. Collection method: literature only. Allele origin: germline. Not counted in ClinVar's aggregate classification.

Literature cited by the submitters: PubMed 21670465 (cited by Labcorp Genetics (formerly Invitae), Labcorp); PubMed 23223431 (cited by Labcorp Genetics (formerly Invitae), Labcorp); PubMed 21765025 (cited by 3 submitters); PubMed 26702063 (cited by Labcorp Genetics (formerly Invitae), Labcorp and Molecular Pathology Research Laboratory, SA Pathology); PubMed 24345756 (cited by Molecular Pathology Research Laboratory, SA Pathology); PubMed 21810969 (cited by Molecular Pathology Research Laboratory, SA Pathology); PubMed 23443460 (cited by Molecular Pathology Research Laboratory, SA Pathology); PubMed 33417088 (cited by Molecular Pathology Research Laboratory, SA Pathology); PubMed 21242295 (cited by OMIM).